The following is an entry in ClinVar:

ClinVar aggregate classification (germline): Pathogenic (1 of 4 stars; one submission).

Conditions:
Fumarase deficiency (FMRD). Also called: Fumaric aciduria; Fumarate Hydratase Deficiency. Identifiers: Orphanet 24, MedGen C0342770, MONDO:0011730, OMIM 606812.

Submission:

Labcorp Genetics (formerly Invitae), Labcorp
Classification: Pathogenic for Fumarase deficiency. Last evaluated: 2019-07-01. Review status: criteria provided, single submitter. Criteria: Invitae Variant Classification Sherloc (09022015). Collection method: clinical testing. Allele origin: germline.
Comment: This variant is an out-of-frame deletion of the genomic region encompassing exon 6 of the FH gene. This is expected to create a premature translational stop signal and result in an absent or disrupted protein product. This particular deletion has been reported in the literature in an individual affected with leiomyomatosis and renal cell cancer (PMID: 22382802). Loss-of-function variants in FH are known to be pathogenic (PMID: 11865300, 21398687). For these reasons, this variant has been classified as Pathogenic.

Literature cited by the submitters: PubMed 22382802.

NC_000001.11:g.(?_241505993)_(241506183_?)del

Gene: FH (fumarate hydratase; minus strand). Cytogenetic location: 1q43.
Variant type: Deletion.
Identifiers: ClinVar variation 832434 (VCV000832434.1).